The following is an entry in ClinVar:

NM_004006.3(DMD):c.10855C>T (p.Gln3619Ter)

Gene: DMD (dystrophin; minus strand). Cytogenetic location: Xp21.2.
Variant type: single nucleotide variant.
Coding change: c.10855C>T on transcript NM_004006.3 (MANE Select); coding-DNA position 10855, C replaced by T.
Protein change: p.Gln3619Ter; replaces glutamine 3619 with a stop codon.
Molecular consequence: nonsense.
Genome position (GRCh38, 1-based): chrX:31,146,357, G>A on the plus strand (C>T on the coding strand, the complement: DMD is on the minus strand). VCF-style: chrX-31146357-G-A. GRCh37 (hg19) VCF-style: chrX-31164474-G-A.
Other names: c.10831C>T, p.Gln3611Ter (NM_000109.4); c.10843C>T, p.Gln3615Ter (NM_004009.3); c.10486C>T, p.Gln3496Ter (NM_004010.3); c.6832C>T, p.Gln2278Ter (NM_004011.4); c.6823C>T, p.Gln2275Ter (NM_004012.4); c.3475C>T, p.Gln1159Ter (NM_004013.3, NM_004021.3); c.2668C>T, p.Gln890Ter (NM_004014.3); c.1651C>T, p.Gln551Ter (NM_004015.3, NM_004016.3); and 3 more; short protein forms Q1146*, Q1159*, Q3611*, Q538*, Q890*, Q2278*, Q3496*, Q551*.
Identifiers: ClinVar variation 1455386 (VCV001455386.8), dbSNP rs2147921886, ClinGen allele CA412648805.

ClinVar aggregate classification (germline): Pathogenic (1 of 4 stars; one submission).

Conditions:
Duchenne muscular dystrophy (DMD). Also called: Duchenne Muscular Dystrophy (DMD); MUSCULAR DYSTROPHY, PSEUDOHYPERTROPHIC PROGRESSIVE, DUCHENNE TYPE. Identifiers: Orphanet 98896, MedGen C0013264, MONDO:0010679, OMIM 310200.

Submission:

Labcorp Genetics (formerly Invitae), Labcorp
Classification: Pathogenic for Duchenne muscular dystrophy. Last evaluated: 2021-06-22. Review status: criteria provided, single submitter. Criteria: Invitae Variant Classification Sherloc (09022015). Collection method: clinical testing. Allele origin: germline.
Comment: For these reasons, this variant has been classified as Pathogenic. This variant has been observed in individual(s) with clinical features of DMD-related conditions (PMID: 23588064). This variant is not present in population databases (ExAC no frequency). This sequence change creates a premature translational stop signal (p.Gln3619*) in the DMD gene. It is expected to result in an absent or disrupted protein product. Loss-of-function variants in DMD are known to be pathogenic (PMID: 16770791, 25007885).

Literature cited by the submitters: PubMed 23588064; PubMed 16770791; PubMed 25007885.